The following is an entry in ClinVar:

NM_001252024.2(TRPM1):c.3365C>G (p.Thr1122Arg)

Genes: TRPM1 (transient receptor potential cation channel subfamily M member 1; minus strand), TRPM1-AS1 (TRPM1 antisense RNA 1; plus strand), LOC126862088 (BRD4-independent group 4 enhancer GRCh37_chr15:31318084-31319283; plus strand). Cytogenetic location: 15q13.3.
Variant type: single nucleotide variant.
Coding change: c.3365C>G on transcript NM_001252024.2 (MANE Select); coding-DNA position 3365, C replaced by G.
Protein change: p.Thr1122Arg; replaces threonine 1122 with arginine.
Molecular consequence: missense variant.
Genome position (GRCh38, 1-based): chr15:31,027,046, G>C on the plus strand (C>G on the coding strand, the complement: TRPM1 is on the minus strand). VCF-style: chr15-31027046-G-C. GRCh37 (hg19) VCF-style: chr15-31319249-G-C.
Other names: c.3416C>G, p.Thr1139Arg (NM_001252020.2); c.3299C>G, p.Thr1100Arg (NM_002420.6); c.3299C>G (NM_002420.4); short protein forms T1100R, T1122R, T1139R.
Identifiers: ClinVar variation 1406844 (VCV001406844.6), dbSNP rs757505678, ClinGen allele CA7451899.

ClinVar aggregate classification (germline): Uncertain significance. Review status: criteria provided, multiple submitters, no conflicts (2 of 4 stars). 2 submissions from 2 submitters: Uncertain significance (2). Last evaluated 2025-08-14.

Conditions:
Inborn genetic diseases. Identifiers: MedGen C0950123, MeSH D030342.

Allele frequency attached by ClinVar (database versions not stated): gnomAD exomes below 0.00001; ExAC 0.00001; gnomAD 0.00001.
gnomAD v4.1: 4 of 1,614,078 alleles (0.00025%); highest among the groups gnomAD compares: Non-Finnish European, 0.00025%; no homozygotes.

Submissions (2):

Ambry Genetics
Classification: Uncertain significance for Inborn genetic diseases. Last evaluated: 2025-08-14. Review status: criteria provided, single submitter. Criteria: Ambry Variant Classification Scheme 2023. Collection method: clinical testing. Allele origin: germline.

Labcorp Genetics (formerly Invitae), Labcorp
Classification: Uncertain significance. Last evaluated: 2021-08-14. Review status: criteria provided, single submitter. Criteria: Invitae Variant Classification Sherloc (09022015). Collection method: clinical testing. Allele origin: germline.
Comment: This sequence change replaces threonine with arginine at codon 1100 of the TRPM1 protein (p.Thr1100Arg). The threonine residue is moderately conserved and there is a moderate physicochemical difference between threonine and arginine. This variant is present in population databases (rs757505678, ExAC 0.001%). This variant has not been reported in the literature in individuals affected with TRPM1-related conditions. Algorithms developed to predict the effect of missense changes on protein structure and function are either unavailable or do not agree on the potential impact of this missense change (SIFT: "Tolerated"; PolyPhen-2: "Probably Damaging"; Align-GVGD: "Class C0"). In summary, the available evidence is currently insufficient to determine the role of this variant in disease. Therefore, it has been classified as a Variant of Uncertain Significance.